The following is an entry in ClinVar:

NM_003579.4(RAD54L):c.977C>G (p.Thr326Ser)

Gene: RAD54L (RAD54 like; plus strand). Cytogenetic location: 1p34.1.
Variant type: single nucleotide variant.
Coding change: c.977C>G on transcript NM_003579.4 (MANE Select); coding-DNA position 977, C replaced by G.
Protein change: p.Thr326Ser; replaces threonine 326 with serine.
Molecular consequence: missense variant.
Genome position (GRCh38, 1-based): chr1:46,267,544, C>G. VCF-style: chr1-46267544-C-G. GRCh37 (hg19) VCF-style: chr1-46733216-C-G.
Other names: c.977C>G, p.Thr326Ser (NM_001142548.2); c.437C>G, p.Thr146Ser (NM_001370766.1); short protein forms T146S, T326S.
Identifiers: ClinVar variation 1768161 (VCV001768161.2), dbSNP rs2148295077, ClinGen allele CA340192447.

ClinVar aggregate classification (germline): Uncertain significance (1 of 4 stars; one submission).

Submission:

Ambry Genetics
Classification: Uncertain significance. Last evaluated: 2022-09-19. Review status: criteria provided, single submitter. Criteria: Ambry Variant Classification Scheme 2023. Collection method: clinical testing. Allele origin: germline.
Comment: The p.T326S variant (also known as c.977C>G), located in coding exon 9 of the RAD54L gene, results from a C to G substitution at nucleotide position 977. The threonine at codon 326 is replaced by serine, an amino acid with similar properties. This amino acid position is conserved. In addition, this alteration is predicted to be deleterious by in silico analysis. Since supporting evidence is limited at this time, the clinical significance of this alteration remains unclear.